The following is an entry in ClinVar:

NM_001010909.5(MUC21):c.966A>C (p.Thr322=)

Genes: MUC21 (mucin 21, cell surface associated; plus strand), LOC126859647 (CDK7 strongly-dependent group 2 enhancer GRCh37_chr6:30954612-30955811; plus strand). Cytogenetic location: 6p21.33.
Variant type: single nucleotide variant.
Coding change: c.966A>C on transcript NM_001010909.5 (MANE Select); coding-DNA position 966, A replaced by C.
Protein change: p.Thr322=; no amino-acid change (threonine 322 retained).
Molecular consequence: synonymous variant. On other transcripts: non-coding transcript variant (1).
Genome position (GRCh38, 1-based): chr6:30,987,141, A>C. VCF-style: chr6-30987141-A-C. GRCh37 (hg19) VCF-style: chr6-30954918-A-C.
Other names: c.1056A>C, p.Thr352= (NM_001322370.2, NM_001322371.2).
Identifiers: ClinVar variation 2656364 (VCV002656364.24), dbSNP rs879177234, ClinGen allele CA449782561.

ClinVar aggregate classification (germline): Likely benign (1 of 4 stars; one submission).

gnomAD v4.1: 1 of 1,525,522 alleles (0.000066%); no homozygotes.

Submission:

CeGaT Center for Human Genetics Tuebingen
Classification: Likely benign. Last evaluated: 2023-03-01. Review status: criteria provided, single submitter. Criteria: CeGaT Center For Human Genetics Tuebingen Variant Classification Criteria Version 2. Collection method: clinical testing. Allele origin: germline. Affected: yes. Observed: 1 variant allele.
Comment: MUC21: BP4, BP7